The following is an entry in ClinVar:

ClinVar aggregate classification (germline): Likely pathogenic (1 of 4 stars; one submission).

Submission:

GeneDx
Classification: Likely pathogenic. Last evaluated: 2026-04-05. Review status: criteria provided, single submitter. Criteria: GeneDx Variant Classification Process June 2021. Collection method: clinical testing. Allele origin: germline.
Comment: Not observed at significant frequency in large population cohorts (gnomAD); In silico analysis supports that this missense variant has a deleterious effect on protein structure/function; This variant is associated with the following publications: (PMID: 24963352, 26969326)

NM_153700.2(STRC):c.4448T>G (p.Met1483Arg)

Gene: STRC (stereocilin; minus strand). Cytogenetic location: 15q15.3.
Variant type: single nucleotide variant.
Coding change: c.4448T>G on transcript NM_153700.2 (MANE Select); coding-DNA position 4448, T replaced by G.
Protein change: p.Met1483Arg; replaces methionine 1483 with arginine.
Molecular consequence: missense variant.
Genome position (GRCh38, 1-based): chr15:43,603,339, A>C on the plus strand (T>G on the coding strand, the complement: STRC is on the minus strand). VCF-style: chr15-43603339-A-C. GRCh37 (hg19) VCF-style: chr15-43895537-A-C.
Other names: short protein forms M1483R.
Identifiers: ClinVar variation 3907739 (VCV003907739.2).